The following is an entry in ClinVar:

NM_022095.4(ZNF335):c.1086C>G (p.Ile362Met)

Gene: ZNF335 (zinc finger protein 335; minus strand). Cytogenetic location: 20q13.12.
Variant type: single nucleotide variant.
Coding change: c.1086C>G on transcript NM_022095.4 (MANE Select); coding-DNA position 1086, C replaced by G.
Protein change: p.Ile362Met; replaces isoleucine 362 with methionine.
Molecular consequence: missense variant.
Genome position (GRCh38, 1-based): chr20:45,965,644, G>C on the plus strand (C>G on the coding strand, the complement: ZNF335 is on the minus strand). VCF-style: chr20-45965644-G-C. GRCh37 (hg19) VCF-style: chr20-44594283-G-C.
Other names: short protein forms I362M.
Identifiers: ClinVar variation 2132093 (VCV002132093.4), dbSNP rs2145408122, ClinGen allele CA409252014.

ClinVar aggregate classification (germline): Uncertain significance (1 of 4 stars; one submission).

Submission:

Labcorp Genetics (formerly Invitae), Labcorp
Classification: Uncertain significance. Last evaluated: 2022-11-01. Review status: criteria provided, single submitter. Criteria: Invitae Variant Classification Sherloc (09022015). Collection method: clinical testing. Allele origin: germline.
Comment: In summary, the available evidence is currently insufficient to determine the role of this variant in disease. Therefore, it has been classified as a Variant of Uncertain Significance. Advanced modeling of protein sequence and biophysical properties (such as structural, functional, and spatial information, amino acid conservation, physicochemical variation, residue mobility, and thermodynamic stability) performed at Invitae indicates that this missense variant is not expected to disrupt ZNF335 protein function. This variant has not been reported in the literature in individuals affected with ZNF335-related conditions. This variant is not present in population databases (gnomAD no frequency). This sequence change replaces isoleucine, which is neutral and non-polar, with methionine, which is neutral and non-polar, at codon 362 of the ZNF335 protein (p.Ile362Met).